The following is an entry in ClinVar:

ClinVar aggregate classification (germline): Uncertain significance (1 of 4 stars; one submission).

Conditions:
Costello syndrome (CSTLO). Also called: FACIOCUTANEOSKELETAL SYNDROME; HRAS-Related Costello Syndrome; FCS SYNDROME. Identifiers: Orphanet 3071, MedGen C0587248, MONDO:0009026, OMIM 218040.

gnomAD v4.1: 1 of 1,613,880 alleles (0.000062%); highest among the groups gnomAD compares: Non-Finnish European, 0.000085%; no homozygotes.

Submission:

Labcorp Genetics (formerly Invitae), Labcorp
Classification: Uncertain significance for Costello syndrome. Last evaluated: 2024-08-21. Review status: criteria provided, single submitter. Criteria: Invitae Variant Classification Sherloc (09022015). Collection method: clinical testing. Allele origin: germline.
Comment: This sequence change replaces leucine, which is neutral and non-polar, with valine, which is neutral and non-polar, at codon 120 of the HRAS protein (p.Leu120Val). This variant is not present in population databases (gnomAD no frequency). This variant has not been reported in the literature in individuals affected with HRAS-related conditions. ClinVar contains an entry for this variant (Variation ID: 1024545). Invitae Evidence Modeling of protein sequence and biophysical properties (such as structural, functional, and spatial information, amino acid conservation, physicochemical variation, residue mobility, and thermodynamic stability) indicates that this missense variant is not expected to disrupt HRAS protein function with a negative predictive value of 95%. In summary, the available evidence is currently insufficient to determine the role of this variant in disease. Therefore, it has been classified as a Variant of Uncertain Significance.

NM_005343.4(HRAS):c.358C>G (p.Leu120Val)

Genes: LRRC56 (leucine rich repeat containing 56; plus strand), HRAS (HRas proto-oncogene, GTPase; minus strand). Cytogenetic location: 11p15.5.
Variant type: single nucleotide variant.
Coding change: c.358C>G on transcript NM_005343.4 (MANE Select); coding-DNA position 358, C replaced by G.
Protein change: p.Leu120Val; replaces leucine 120 with valine.
Molecular consequence: missense variant. On other transcripts: synonymous variant (1).
Genome position (GRCh38, 1-based): chr11:533,545, G>C on the plus strand (C>G on the coding strand, the complement: HRAS is on the minus strand). VCF-style: chr11-533545-G-C. GRCh37 (hg19) VCF-style: chr11-533545-G-C.
Other names: c.358C>G, p.Leu120Val (NM_001130442.3, NM_176795.5); c.39C>G, p.Thr13= (NM_001318054.2); short protein forms L120V.
Identifiers: ClinVar variation 1024545 (VCV001024545.11), dbSNP rs397517139, ClinGen allele CA378923366.
Genomic context (GRCh38, chr11:533,545, plus strand): 5'-GGATGCCGTAGCTTCGGGCGAGGTCCTGAGCCTGCCGAGATTCCACAGTGCGTGCAGCCA[G>C]GTCACACTTGTTCCCCACCAGCACCATGGGCACGTCATCCGAGTCCTTCACCCGTTTGAT-3'
Protein context (NP_005334.1, residues 110-130): PMVLVGNKCD[Leu120Val]AARTVESRQA